The following is an entry in ClinVar:

NM_019098.5(CNGB3):c.1055+2T>A

Gene: CNGB3 (cyclic nucleotide gated channel subunit beta 3; minus strand). Cytogenetic location: 8q21.3.
Variant type: single nucleotide variant.
Coding change: c.1055+2T>A on transcript NM_019098.5 (MANE Select); the canonical splice donor site of the intron after coding-DNA position 1055, T replaced by A.
Molecular consequence: splice donor variant.
Genome position (GRCh38, 1-based): chr8:86,644,620, A>T on the plus strand (T>A on the coding strand, the complement: CNGB3 is on the minus strand). VCF-style: chr8-86644620-A-T. GRCh37 (hg19) VCF-style: chr8-87656848-A-T.
Other names: c.1055+2T>A (NM_019098.4).
Identifiers: ClinVar variation 2869720 (VCV002869720.4), dbSNP rs1823261546, ClinGen allele CA371447482.
Genomic context (GRCh38, chr8:86,644,620, plus strand): 5'-CGTCTAAAATGTTGTACCATTGCTTTTTCCCCTTCCCCCAAGTATACTGAGTTATACTTT[A>T]CCTGTAGATATATGCTTTGTCCATTATAGACTCTAGGTGATGATTAAATTCAAAAAATGA-3'

ClinVar aggregate classification (germline): Likely pathogenic. Review status: criteria provided, multiple submitters, no conflicts (2 of 4 stars). 2 submissions from 2 submitters: Likely pathogenic (2). Last evaluated 2025-08-21.

Conditions:
CNGB3-related disorder. Also called: CNGB3-related condition; CNGB3-related disorders. Identifiers: MedGen CN239340.

Submissions (2):

PreventionGenetics, part of Exact Sciences
Classification: Likely pathogenic for CNGB3-related condition. Last evaluated: 2025-08-21. Review status: criteria provided, single submitter. Criteria: ACMG Guidelines, 2015. Collection method: clinical testing. Allele origin: germline.
Comment: The CNGB3 c.1055+2T>A variant is predicted to disrupt the GT donor site and interfere with normal splicing. This variant was reported in an individual with achromatopsia (Table S1, Abu Elasal et al. 2024. PubMed ID: 39062705). This variant has not been reported in a large population database (gnomAD), indicating this variant is rare. Variants that disrupt the consensus splice donor site in CNGB3 are expected to be pathogenic. This variant is interpreted as likely pathogenic.

Labcorp Genetics (formerly Invitae), Labcorp
Classification: Likely pathogenic. Last evaluated: 2023-05-18. Review status: criteria provided, single submitter. Criteria: Invitae Variant Classification Sherloc (09022015). Collection method: clinical testing. Allele origin: germline.
Comment: In summary, the currently available evidence indicates that the variant is pathogenic, but additional data are needed to prove that conclusively. Therefore, this variant has been classified as Likely Pathogenic. Algorithms developed to predict the effect of sequence changes on RNA splicing suggest that this variant may disrupt the consensus splice site. This variant has not been reported in the literature in individuals affected with CNGB3-related conditions. This variant is not present in population databases (gnomAD no frequency). This sequence change affects a donor splice site in intron 9 of the CNGB3 gene. It is expected to disrupt RNA splicing. Variants that disrupt the donor or acceptor splice site typically lead to a loss of protein function (PMID: 16199547), and loss-of-function variants in CNGB3 are known to be pathogenic (PMID: 28795510).

Literature cited by the submitters: PubMed 16199547 (cited by Labcorp Genetics (formerly Invitae), Labcorp); PubMed 28795510 (cited by Labcorp Genetics (formerly Invitae), Labcorp).